The following is an entry in ClinVar:

ClinVar aggregate classification (germline): Benign/Likely benign. Review status: criteria provided, multiple submitters, no conflicts (2 of 4 stars). 4 submissions from 4 submitters: Benign (1); Likely benign (3). Last evaluated 2026-01-28.

Conditions:
Oligodontia-cancer predisposition syndrome. Also called: TOOTH AGENESIS-COLORECTAL CANCER SYNDROME. Identifiers: Orphanet 300576, MedGen C1837750, MONDO:0012075, OMIM 608615. Disease mechanism: loss of function.
Hereditary cancer-predisposing syndrome. Also called: Hereditary neoplastic syndrome; Hereditary Cancer Syndrome; Neoplastic Syndromes, Hereditary; Tumor predisposition. Identifiers: Orphanet 140162, MedGen C0027672, MeSH D009386, MONDO:0015356.

Allele frequency attached by ClinVar (database versions not stated): gnomAD exomes 0.00001; gnomAD 0.00002; TOPMed 0.00002.
gnomAD v4.1: 11 of 1,614,140 alleles (0.00068%); highest among the groups gnomAD compares: African/African-American, 0.0013%; no homozygotes.

Submissions (4):

Labcorp Genetics (formerly Invitae), Labcorp
Classification: Likely benign for Oligodontia-cancer predisposition syndrome. Last evaluated: 2026-01-28. Review status: criteria provided, single submitter. Criteria: Invitae Variant Classification Sherloc (09022015). Collection method: clinical testing. Allele origin: germline.

Myriad Genetics, Inc.
Classification: Benign for Oligodontia-cancer predisposition syndrome. Last evaluated: 2024-07-01. Review status: criteria provided, single submitter. Criteria: Myriad Autosomal Dominant, Autosomal Recessive and X-Linked Classification Criteria (2023). Collection method: clinical testing. Allele origin: unknown.
Comment: This variant is considered benign. This variant is a silent/synonymous amino acid change and it is not expected to impact splicing.

Ambry Genetics
Classification: Likely benign for Hereditary cancer-predisposing syndrome. Last evaluated: 2019-10-23. Review status: criteria provided, single submitter. Criteria: Ambry Variant Classification Scheme 2023. Collection method: clinical testing. Allele origin: germline.

GeneDx
Classification: Likely benign. Last evaluated: 2018-09-07. Review status: criteria provided, single submitter. Criteria: GeneDx Variant Classification Process June 2021. Collection method: clinical testing. Allele origin: germline. Affected: yes.

NM_004655.4(AXIN2):c.1191G>A (p.Gln397=)

Gene: AXIN2 (axin 2; minus strand). Cytogenetic location: 17q24.1.
Variant type: single nucleotide variant.
Coding change: c.1191G>A on transcript NM_004655.4 (MANE Select); coding-DNA position 1191, G replaced by A.
Protein change: p.Gln397=; no amino-acid change (glutamine 397 retained).
Molecular consequence: synonymous variant.
Genome position (GRCh38, 1-based): chr17:65,538,212, C>T on the plus strand (G>A on the coding strand, the complement: AXIN2 is on the minus strand). VCF-style: chr17-65538212-C-T. GRCh37 (hg19) VCF-style: chr17-63534330-C-T.
Other names: c.1191G>A (LRG_296t1); c.1191G>A, p.Gln397= (NM_001363813.1).
Identifiers: ClinVar variation 511444 (VCV000511444.20), dbSNP rs1360433499, ClinGen allele CA501476240.
Genomic context (GRCh38, chr17:65,538,212, plus strand): 5'-CGAGCGCTCACGCCGTGGACGGAAGCAGGAAGAAGGCCTAGGCCGCATTACCTCTCGGAT[C>T]TGCTGCAGGCGCTCCTCCAGGCTGTGGCGGCTCTCCAACTCCAGCTTCAGCTTTTCCAGC-3'
Protein context (NP_004646.3, residues 387-407): SRHSLEERLQ[Gln397=]IREDEEREGS